The following is an entry in ClinVar:

ClinVar aggregate classification (germline): Uncertain significance (1 of 4 stars; one submission).

Conditions:
Dyskeratosis congenita, autosomal dominant 6 (DKCA6). Identifiers: Orphanet 3322, MedGen C4225284, MONDO:0014690, OMIM 616553.

Allele frequency attached by ClinVar (database versions not stated): gnomAD exomes 0.00001; ExAC 0.00002.

Submission:

Labcorp Genetics (formerly Invitae), Labcorp
Classification: Uncertain significance for Dyskeratosis congenita, autosomal dominant 6. Last evaluated: 2020-12-22. Review status: criteria provided, single submitter. Criteria: Invitae Variant Classification Sherloc (09022015). Collection method: clinical testing. Allele origin: germline.
Comment: In summary, the available evidence is currently insufficient to determine the role of this variant in disease. Therefore, it has been classified as a Variant of Uncertain Significance. Algorithms developed to predict the effect of sequence changes on RNA splicing suggest that this variant may create or strengthen a splice site, but this prediction has not been confirmed by published transcriptional studies. This sequence change replaces arginine with serine at codon 55 of the ACD protein (p.Arg55Ser). The arginine residue is weakly conserved and there is a moderate physicochemical difference between arginine and serine. This variant is present in population databases (rs774922687, ExAC 0.006%). This variant has not been reported in the literature in individuals with ACD-related conditions. Algorithms developed to predict the effect of missense changes on protein structure and function (SIFT, PolyPhen-2, Align-GVGD) all suggest that this variant is likely to be tolerated, but these predictions have not been confirmed by published functional studies and their clinical significance is uncertain.

NC_000016.10:g.67660316G>T

Gene: ACD (ACD shelterin complex subunit and telomerase recruitment factor; minus strand). Cytogenetic location: 16q22.1.
Variant type: single nucleotide variant.
Genome position: GRCh38 VCF-style: chr16-67660316-G-T. GRCh37 (hg19) VCF-style: chr16-67694219-G-T.
Identifiers: ClinVar variation 1441579 (VCV001441579.8), dbSNP rs774922687, ClinGen allele CA8114886.